The following is an entry in ClinVar:

ClinVar aggregate classification (germline): Likely benign (1 of 4 stars; one submission).

Submission:

CeGaT Center for Human Genetics Tuebingen
Classification: Likely benign. Last evaluated: 2023-05-01. Review status: criteria provided, single submitter. Criteria: CeGaT Center For Human Genetics Tuebingen Variant Classification Criteria Version 2. Collection method: clinical testing. Allele origin: germline. Affected: yes. Observed: 1 variant allele.
Comment: KCNA4: PM2:Supporting, BP4, BP7

NM_002233.4(KCNA4):c.177G>T (p.Gly59=)

Gene: KCNA4 (potassium voltage-gated channel subfamily A member 4; minus strand). Cytogenetic location: 11p14.1.
Variant type: single nucleotide variant.
Coding change: c.177G>T on transcript NM_002233.4 (MANE Select); coding-DNA position 177, G replaced by T.
Protein change: p.Gly59=; no amino-acid change (glycine 59 retained).
Molecular consequence: synonymous variant.
Genome position (GRCh38, 1-based): chr11:30,012,502, C>A on the plus strand (G>T on the coding strand, the complement: KCNA4 is on the minus strand). VCF-style: chr11-30012502-C-A. GRCh37 (hg19) VCF-style: chr11-30034049-C-A.
Identifiers: ClinVar variation 2641697 (VCV002641697.24), dbSNP rs2494241565, ClinGen allele CA473782799.